The following is an entry in ClinVar:

ClinVar aggregate classification (germline): Pathogenic (1 of 4 stars; one submission).

Conditions:
Bardet-Biedl syndrome (BBS). Identifiers: Orphanet 110, MedGen C0752166, MONDO:0015229.

Submission:

Labcorp Genetics (formerly Invitae), Labcorp
Classification: Pathogenic for Bardet-Biedl syndrome. Last evaluated: 2023-11-09. Review status: criteria provided, single submitter. Criteria: Invitae Variant Classification Sherloc (09022015). Collection method: clinical testing. Allele origin: germline.
Comment: This sequence change creates a premature translational stop signal (p.Glu161Argfs*19) in the BBS1 gene. It is expected to result in an absent or disrupted protein product. Loss-of-function variants in BBS1 are known to be pathogenic (PMID: 12118255, 21520335, 27032803). This variant is not present in population databases (gnomAD no frequency). This variant has not been reported in the literature in individuals affected with BBS1-related conditions. Algorithms developed to predict the effect of sequence changes on RNA splicing suggest that this variant may disrupt the consensus splice site. For these reasons, this variant has been classified as Pathogenic.

Literature cited by the submitters: PubMed 12118255; PubMed 21520335; PubMed 27032803.

NC_000011.10:g.66515694del

Gene: BBS1 (Bardet-Biedl syndrome 1; plus strand). Cytogenetic location: 11q13.2.
Variant type: Deletion.
Genome position: GRCh38 VCF-style: chr11-66515691-AG-A. GRCh37 (hg19) VCF-style: chr11-66283162-AG-A.
Identifiers: ClinVar variation 3017279 (VCV003017279.3), dbSNP rs1856035514, ClinGen allele CA1979718659.
Genomic context (GRCh38, chr11:66,515,691, plus strand): 5'-CCATCTGAGCCCCAGGGCCCCATTCTTCCATTCGGCTGCCATGCTGGCCCCTTTCCTTGC[AG>A]GGAGACGGCAGAGGAGCCTTTGTCCATCCAGTCACTCAGGTAAGGACCCTGTGGAGGGCC-3'